The following is an entry in ClinVar:

ClinVar aggregate classification (germline): Benign/Likely benign. Review status: criteria provided, multiple submitters, no conflicts (2 of 4 stars). 8 submissions from 8 submitters: Benign (7); Likely benign (1). Last evaluated 2026-09-01.

Conditions:
Polycystic liver disease 1 (PCLD1). Also called: Polycystic liver disease 1 with or without kidney cysts. Identifiers: Orphanet 2924, MedGen C0887850, MONDO:0008265, OMIM 174050.

Allele frequency attached by ClinVar (database versions not stated): TOPMed 0.00575; ESP Exome Variant Server 0.00592; gnomAD 0.00596 and 0.00607; gnomAD exomes 0.00658 and 0.00770; ExAC 0.00669; 1000 Genomes Project 0.00859; 1000 Genomes Project 30x 0.00906.

Submissions (8):

CeGaT Center for Human Genetics Tuebingen
Classification: Benign. Last evaluated: 2026-09-01. Review status: criteria provided, single submitter. Criteria: CeGaT Center For Human Genetics Tuebingen Variant Classification Criteria Version 2. Collection method: clinical testing. Allele origin: germline. Affected: yes. Observed: 7 variant alleles.
Comment: PRKCSH: BP4, BP7, BS1, BS2

Labcorp Genetics (formerly Invitae), Labcorp
Classification: Benign. Last evaluated: 2026-01-23. Review status: criteria provided, single submitter. Criteria: Invitae Variant Classification Sherloc (09022015). Collection method: clinical testing. Allele origin: germline.

Blueprint Genetics
Classification: Likely benign. Last evaluated: 2024-11-28. Review status: criteria provided, single submitter. Criteria: ACMG Guidelines, 2015. Collection method: clinical testing. Allele origin: germline.

Mayo Clinic Laboratories, Mayo Clinic
Classification: Benign. Last evaluated: 2023-09-20. Review status: criteria provided, single submitter. Criteria: ACMG Guidelines, 2015. Collection method: clinical testing. Allele origin: germline. Observed: 6 variant alleles.
Comment: BA1, BS2, BP4, BP7

GeneDx
Classification: Benign. Last evaluated: 2021-01-14. Review status: criteria provided, single submitter. Criteria: GeneDx Variant Classification Process June 2021. Collection method: clinical testing. Allele origin: germline. Affected: yes.

Illumina Laboratory Services, Illumina
Classification: Benign for Polycystic liver disease 1. Last evaluated: 2018-01-12. Review status: criteria provided, single submitter. Criteria: ICSL Variant Classification Criteria 13 December 2019. Collection method: clinical testing. Allele origin: germline.
Comment: This variant was observed in the ICSL laboratory as part of a predisposition screen in an ostensibly healthy population. It had not been previously curated by ICSL or reported in the Human Gene Mutation Database (HGMD: prior to June 1st, 2018), and was therefore a candidate for classification through an automated scoring system. Utilizing variant allele frequency, disease prevalence and penetrance estimates, and inheritance mode, an automated score was calculated to assess if this variant is too frequent to cause the disease. Based on the score and internal cut-off values, a variant classified as benign is not then subjected to further curation. The score for this variant resulted in a classification of benign for this disease.

Breakthrough Genomics
Classification: Benign. Review status: criteria provided, single submitter. Criteria: ACMG Guidelines, 2015. Collection method: not provided. Allele origin: germline. Inheritance: Autosomal dominant inheritance. Affected: yes.

PreventionGenetics, part of Exact Sciences
Classification: Benign. Review status: criteria provided, single submitter. Criteria: ACMG Guidelines, 2015. Collection method: clinical testing. Allele origin: germline.

NM_001289104.2(PRKCSH):c.1359T>C (p.Leu453=)

Gene: PRKCSH (PRKCSH beta subunit of glucosidase II; plus strand). Cytogenetic location: 19p13.2.
Variant type: single nucleotide variant.
Coding change: c.1359T>C on transcript NM_001289104.2 (MANE Select); coding-DNA position 1359, T replaced by C.
Protein change: p.Leu453=; no amino-acid change (leucine 453 retained).
Molecular consequence: synonymous variant.
Genome position (GRCh38, 1-based): chr19:11,448,986, T>C. VCF-style: chr19-11448986-T-C. GRCh37 (hg19) VCF-style: chr19-11559801-T-C.
Other names: p.Leu446=; c.1329T>C, p.Leu443= (NM_001001329.3, NM_001289102.2, NM_001379609.1); c.1359T>C, p.Leu453= (NM_001289103.2); c.1338T>C, p.Leu446= (NM_001379608.1, NM_002743.3).
Identifiers: ClinVar variation 258792 (VCV000258792.39), dbSNP rs139144555, ClinGen allele CA9213281.